The following is an entry in ClinVar:

ClinVar aggregate classification (germline): Uncertain significance (1 of 4 stars; one submission).

Conditions:
Charcot-Marie-Tooth disease type 4. Also called: Charcot-Marie-Tooth, Type 4; Charcot-Marie-Tooth disease, type IV. Identifiers: Orphanet 64749, MedGen C4082197, MONDO:0018995.

Allele frequency attached by ClinVar (database versions not stated): gnomAD exomes below 0.00001; gnomAD 0.00001.
gnomAD v4.1: 4 of 1,613,964 alleles (0.00025%); highest among the groups gnomAD compares: Non-Finnish European, 0.00034%; no homozygotes.

Submission:

Labcorp Genetics (formerly Invitae), Labcorp
Classification: Uncertain significance for Charcot-Marie-Tooth disease type 4. Last evaluated: 2022-08-20. Review status: criteria provided, single submitter. Criteria: Invitae Variant Classification Sherloc (09022015). Collection method: clinical testing. Allele origin: germline.
Comment: This sequence change replaces glutamine, which is neutral and polar, with glutamic acid, which is acidic and polar, at codon 513 of the SBF2 protein (p.Gln513Glu). This variant is present in population databases (no rsID available, gnomAD 0.007%). This variant has not been reported in the literature in individuals affected with SBF2-related conditions. Algorithms developed to predict the effect of missense changes on protein structure and function (SIFT, PolyPhen-2, Align-GVGD) all suggest that this variant is likely to be tolerated. In summary, the available evidence is currently insufficient to determine the role of this variant in disease. Therefore, it has been classified as a Variant of Uncertain Significance.

NM_030962.4(SBF2):c.1537C>G (p.Gln513Glu)

Gene: SBF2 (SET binding factor 2; minus strand). Cytogenetic location: 11p15.4.
Variant type: single nucleotide variant.
Coding change: c.1537C>G on transcript NM_030962.4 (MANE Select); coding-DNA position 1537, C replaced by G.
Protein change: p.Gln513Glu; replaces glutamine 513 with glutamic acid.
Molecular consequence: missense variant.
Genome position (GRCh38, 1-based): chr11:9,968,404, G>C on the plus strand (C>G on the coding strand, the complement: SBF2 is on the minus strand). VCF-style: chr11-9968404-G-C. GRCh37 (hg19) VCF-style: chr11-9989951-G-C.
Other names: c.1537C>G, p.Gln513Glu (NM_001386339.1); c.1408C>G, p.Gln470Glu (NM_001386342.1); short protein forms Q513E, Q470E.
Identifiers: ClinVar variation 1963526 (VCV001963526.2), dbSNP rs1480710758, ClinGen allele CA379629824.